The following is an entry in ClinVar:

NM_001130965.3(SUN1):c.386C>T (p.Thr129Ile)

Gene: SUN1 (Sad1 and UNC84 domain containing 1; plus strand). Cytogenetic location: 7p22.3.
Variant type: single nucleotide variant.
Coding change: c.386C>T on transcript NM_001130965.3 (MANE Select); coding-DNA position 386, C replaced by T.
Protein change: p.Thr129Ile; replaces threonine 129 with isoleucine.
Molecular consequence: missense variant. On other transcripts: 5 prime UTR variant (4), non-coding transcript variant (3).
Genome position (GRCh38, 1-based): chr7:842,065, C>T. VCF-style: chr7-842065-C-T. GRCh37 (hg19) VCF-style: chr7-881702-C-T.
Other names: c.386C>T, p.Thr129Ile (NM_001171944.2, NM_001171946.2, NM_001367633.1 and 34 more transcripts); c.449C>T, p.Thr150Ile (NM_001171945.2); c.-72C>T (NM_001367635.1); c.236C>T, p.Thr79Ile (NM_001367636.1, NM_001367637.1, NM_001367644.1 and 24 more transcripts); c.-182C>T (NM_001367639.1, NM_001367708.1); c.605C>T, p.Thr202Ile (NM_001367651.1); c.-376C>T (NM_001367658.1); c.197C>T, p.Thr66Ile (NM_001367695.1); and 1 more; short protein forms T129I, T150I, T202I, T66I, T79I.
Identifiers: ClinVar variation 1057576 (VCV001057576.10), dbSNP rs199937447, ClinGen allele CA4111488.
Genomic context (GRCh38, chr7:842,065, plus strand): 5'-GGCAGGTCACGTCCTCTGGCGTCAGCCACGGCGGCACTGTCAGCCTGCAGGATGCTGTGA[C>T]TCGACGGCCTCCTGTATTGGACGAGTCTTGGATTCGTGAACAGACCACAGTGGACCACTT-3'
Protein context (NP_001124437.1, residues 119-139): GGTVSLQDAV[Thr129Ile]RRPPVLDESW

ClinVar aggregate classification (germline): Uncertain significance. Review status: criteria provided, multiple submitters, no conflicts (2 of 4 stars). 2 submissions from 2 submitters: Uncertain significance (2). Last evaluated 2024-12-17.

Conditions:
Emery-Dreifuss muscular dystrophy (EDMD). Also called: Scapuloperoneal syndrome, X-linked (formerly); Humeroperoneal neuromuscular disease, (formerly). Identifiers: Orphanet 261, MedGen C0410189, MONDO:0016830.

Allele frequency attached by ClinVar (database versions not stated): gnomAD 0.00003; gnomAD exomes 0.00003 and 0.00006; TOPMed 0.00003; ExAC 0.00004; ESP Exome Variant Server 0.00008.
gnomAD v4.1: 87 of 1,614,118 alleles (0.0054%); highest among the groups gnomAD compares: Non-Finnish European, 0.0069%; no homozygotes.

Submissions (2):

Labcorp Genetics (formerly Invitae), Labcorp
Classification: Uncertain significance for Emery-Dreifuss muscular dystrophy. Last evaluated: 2024-12-17. Review status: criteria provided, single submitter. Criteria: Invitae Variant Classification Sherloc (09022015). Collection method: clinical testing. Allele origin: germline.
Comment: This sequence change replaces threonine, which is neutral and polar, with isoleucine, which is neutral and non-polar, at codon 129 of the SUN1 protein (p.Thr129Ile). This variant is present in population databases (rs199937447, gnomAD 0.007%). This variant has not been reported in the literature in individuals affected with SUN1-related conditions. ClinVar contains an entry for this variant (Variation ID: 1057576). An algorithm developed to predict the effect of missense changes on protein structure and function (PolyPhen-2) suggests that this variant is likely to be disruptive. In summary, the available evidence is currently insufficient to determine the role of this variant in disease. Therefore, it has been classified as a Variant of Uncertain Significance.

Ambry Genetics
Classification: Uncertain significance. Last evaluated: 2023-03-01. Review status: criteria provided, single submitter. Criteria: Ambry Variant Classification Scheme 2023. Collection method: clinical testing. Allele origin: germline.